The following is an entry in ClinVar:

ClinVar aggregate classification (germline): Uncertain significance (1 of 4 stars; one submission).

gnomAD v4.1: 1 of 1,614,048 alleles (0.000062%); highest among the groups gnomAD compares: South Asian, 0.0011%; no homozygotes.

Submission:

Labcorp Genetics (formerly Invitae), Labcorp
Classification: Uncertain significance. Last evaluated: 2025-08-29. Review status: criteria provided, single submitter. Criteria: Invitae Variant Classification Sherloc (09022015). Collection method: clinical testing. Allele origin: germline.
Comment: This sequence change replaces methionine, which is neutral and non-polar, with lysine, which is basic and polar, at codon 839 of the NAA15 protein (p.Met839Lys). This variant is not present in population databases (gnomAD no frequency). This variant has not been reported in the literature in individuals affected with NAA15-related conditions. An algorithm developed to predict the effect of missense changes on protein structure and function (PolyPhen-2) suggests that this variant is likely to be tolerated. Algorithms developed to predict the effect of sequence changes on RNA splicing suggest that this variant may create or strengthen a splice site. In summary, the available evidence is currently insufficient to determine the role of this variant in disease. Therefore, it has been classified as a Variant of Uncertain Significance.

NM_057175.5(NAA15):c.2516T>A (p.Met839Lys)

Gene: NAA15 (N-alpha-acetyltransferase 15, NatA auxiliary subunit; plus strand). Cytogenetic location: 4q31.1.
Variant type: single nucleotide variant.
Coding change: c.2516T>A on transcript NM_057175.5 (MANE Select); coding-DNA position 2516, T replaced by A.
Protein change: p.Met839Lys; replaces methionine 839 with lysine.
Molecular consequence: missense variant.
Genome position (GRCh38, 1-based): chr4:139,387,999, T>A. VCF-style: chr4-139387999-T-A. GRCh37 (hg19) VCF-style: chr4-140309153-T-A.
Other names: c.2513T>A, p.Met838Lys (NM_001410842.1); short protein forms M839K, M838K.
Identifiers: ClinVar variation 4725711 (VCV004725711.1).